The following is an entry in ClinVar:

ClinVar aggregate classification (germline): Likely benign (1 of 4 stars; one submission).

Conditions:
CHD5-related disorder. Also called: CHD5-related condition.

gnomAD v4.1: 17 of 1,602,940 alleles (0.0011%); highest among the groups gnomAD compares: African/African-American, 0.02%; no homozygotes.

Submission:

PreventionGenetics, part of Exact Sciences
Classification: Likely benign for CHD5-related condition. Last evaluated: 2025-02-03. Review status: criteria provided, single submitter. Criteria: ACMG Guidelines, 2015. Collection method: clinical testing. Allele origin: germline.
Comment: This variant is classified as likely benign based on ACMG/AMP sequence variant interpretation guidelines (Richards et al. 2015 PMID: 25741868, with internal and published modifications).

NM_015557.3(CHD5):c.5250-10C>G

Gene: CHD5 (chromodomain helicase DNA binding protein 5; minus strand). Cytogenetic location: 1p36.31.
Variant type: single nucleotide variant.
Coding change: c.5250-10C>G on transcript NM_015557.3 (MANE Select); 10 bases into the intron before coding-DNA position 5250, C replaced by G.
Molecular consequence: intron variant.
Genome position (GRCh38, 1-based): chr1:6,110,536, G>C on the plus strand (C>G on the coding strand, the complement: CHD5 is on the minus strand). VCF-style: chr1-6110536-G-C. GRCh37 (hg19) VCF-style: chr1-6170596-G-C.
Identifiers: ClinVar variation 4986238 (VCV004986238.1).
Genomic context (GRCh38, chr1:6,110,536, plus strand): 5'-ATCATGTACCGTGGGTCATTCTGGATGTCCTGCCAGCGGGCGTAGCCGTGCCTGGGTGGG[G>C]CACCATTAAGGGCAAACCTGGCCGTTAGAAGTGGTGGGGCCGTAGGGGGAGGCAGCTCAG-3'